The following is an entry in ClinVar:

NM_000038.6(APC):c.406G>T (p.Glu136Ter)

Gene: APC (APC regulator of Wnt signaling pathway; plus strand). Cytogenetic location: 5q22.2.
Variant type: single nucleotide variant.
Coding change: c.406G>T on transcript NM_000038.6 (MANE Select); coding-DNA position 406, G replaced by T.
Protein change: p.Glu136Ter; replaces glutamic acid 136 with a stop codon.
Molecular consequence: nonsense. On other transcripts: non-coding transcript variant (2), 5 prime UTR variant (4).
Genome position (GRCh38, 1-based): chr5:112,767,374, G>T. VCF-style: chr5-112767374-G-T. GRCh37 (hg19) VCF-style: chr5-112103071-G-T.
Other names: c.406G>T, p.Glu136Ter (NM_001354903.2, NM_001407447.1, NM_001407448.1 and 16 more transcripts); c.331G>T, p.Glu111Ter (NM_001354904.2, NM_001407451.1, NM_001354898.2); c.229G>T, p.Glu77Ter (NM_001354905.2, NM_001407453.1, NM_001354900.2 and 1 more transcripts); c.-630G>T (NM_001354906.2, NM_001407470.1, NM_001407471.1 and 1 more transcripts); c.436G>T, p.Glu146Ter (NM_001407446.1, NM_001127511.3, NM_001354897.2 and 1 more transcripts); short protein forms E111*, E136*, E146*, E77*.
Identifiers: ClinVar variation 3382797 (VCV003382797.3).

ClinVar aggregate classification (germline): Likely pathogenic (1 of 4 stars; one submission).

Conditions:
Desmoid disease, hereditary (DESMD). Also called: FIBROMATOSIS, FAMILIAL INFILTRATIVE. Identifiers: Orphanet 873, MedGen C1851124, OMIM 135290. Disease mechanism: loss of function.
Familial adenomatous polyposis 1 (FAP1). Also called: FAMILIAL ADENOMATOUS POLYPOSIS 1, ATTENUATED; POLYPOSIS, ADENOMATOUS INTESTINAL. Identifiers: MedGen C2713442, MONDO:0021056, OMIM 175100. Disease mechanism: loss of function.
Hepatocellular carcinoma (HCC). Also called: Primary carcinoma of liver; HEPATOMA; LIVER CELL CARCINOMA. Identifiers: Orphanet 88673, MedGen C2239176, MONDO:0007256, OMIM 114550, HP:0001402.
Gastric cancer. Also called: Stomach cancer; Malignant tumor of stomach. Identifiers: MedGen C0024623, MeSH D013274, MONDO:0001056, OMIM 613659, HP:0012126.
Colorectal cancer. Also called: Colorectal cancer, somatic; Malignant Colorectal Neoplasm. Identifiers: MedGen C0346629, MONDO:0005575, OMIM 114500.
Gastric adenocarcinoma and proximal polyposis of the stomach (GAPPS). Also called: Polyposis, gastric, Dos Santos and de Magalhaes 1980; Gastric Adenocarcinoma and Proximal Polyposis of the Stomach (GAPPS); POLYPOSIS, GASTRIC. Identifiers: Orphanet 314022, MedGen C4749917, MONDO:0017790, OMIM 619182.

Submission:

Juno Genomics, Hangzhou Juno Genomics, Inc
Classification: Likely pathogenic for Familial adenomatous polyposis 1; Colorectal cancer; Desmoid disease, hereditary; Gastric adenocarcinoma and proximal polyposis of the stomach; Gastric cancer; Hepatocellular carcinoma. Review status: criteria provided, single submitter. Criteria: ACMG Guidelines, 2015. Collection method: clinical testing. Allele origin: germline.
Comment: Absent from controls (or at extremely low frequency if recessive) in Genome Aggregation Database.;Null variant in a gene where loss of function (LOF) is a known mechanism of disease.